The following is an entry in ClinVar:

ClinVar aggregate classification (germline): Pathogenic (1 of 4 stars; one submission).

Submission:

Labcorp Genetics (formerly Invitae), Labcorp
Classification: Pathogenic. Last evaluated: 2022-10-27. Review status: criteria provided, single submitter. Criteria: Invitae Variant Classification Sherloc (09022015). Collection method: clinical testing. Allele origin: germline.
Comment: This variant is a gross deletion of the genomic region encompassing exon(s) 24-25 of the SLC12A3 gene. This variant would be expected to be in-frame, preserving the integrity of the reading frame. A similar copy number variant has been observed in individual(s) with clinical features of Gitelman syndrome (PMID: 21415153, 22009145). In at least one individual the data is consistent with being in trans (on the opposite chromosome) from a pathogenic variant. This variant disrupts the p.Arg964 amino acid residue in SLC12A3. Other variant(s) that disrupt this residue have been determined to be pathogenic (PMID: 8528245, 12039972, 17654016, 21415153, 22214629). This suggests that this residue is clinically significant, and that variants that disrupt this residue are likely to be disease-causing. For these reasons, this variant has been classified as Pathogenic.

Literature cited by the submitters: PubMed 21415153; PubMed 22009145; PubMed 8528245; PubMed 12039972; PubMed 17654016; PubMed 22214629.

NC_000016.10:g.(?_56902363)_(56904472_?)del

Gene: SLC12A3 (solute carrier family 12 member 3; plus strand). Cytogenetic location: 16q13.
Variant type: Deletion.
Identifiers: ClinVar variation 833511 (VCV000833511.5).